The following is an entry in ClinVar:

ClinVar aggregate classification (germline): Uncertain significance (1 of 4 stars; one submission).

gnomAD v4.1: 1 of 1,613,648 alleles (0.000062%); highest among the groups gnomAD compares: Non-Finnish European, 0.000085%; no homozygotes.

Submission:

Athena Diagnostics
Classification: Uncertain significance. Last evaluated: 2025-03-13. Review status: criteria provided, single submitter. Criteria: Athena Diagnostics Criteria. Collection method: clinical testing. Allele origin: unknown.
Comment: Available data are insufficient to determine the clinical significance of the variant at this time. This variant has not been reported in large, multi-ethnic general populations. Polyphen and MutationTaster predict this amino acid change may be damaging to the protein.

NM_015046.7(SETX):c.371T>A (p.Leu124His)

Gene: SETX (senataxin; minus strand). Cytogenetic location: 9q34.13.
Variant type: single nucleotide variant.
Coding change: c.371T>A on transcript NM_015046.7 (MANE Select); coding-DNA position 371, T replaced by A.
Protein change: p.Leu124His; replaces leucine 124 with histidine.
Molecular consequence: missense variant.
Genome position (GRCh38, 1-based): chr9:132,346,278, A>T on the plus strand (T>A on the coding strand, the complement: SETX is on the minus strand). VCF-style: chr9-132346278-A-T. GRCh37 (hg19) VCF-style: chr9-135221665-A-T.
Other names: c.371T>A, p.Leu124His (NM_001351527.2, NM_001351528.2); short protein forms L124H.
Identifiers: ClinVar variation 4682180 (VCV004682180.1).